The following is an entry in ClinVar:

ClinVar aggregate classification (germline): Uncertain significance. Review status: criteria provided, multiple submitters, no conflicts (2 of 4 stars). 5 submissions from 5 submitters: Uncertain significance (5). Last evaluated 2026-03-04.

Conditions:
Hereditary cancer-predisposing syndrome. Also called: Hereditary Cancer Syndrome; Tumor predisposition; Neoplastic Syndromes, Hereditary; Hereditary neoplastic syndrome. Identifiers: Orphanet 140162, MedGen C0027672, MeSH D009386, MONDO:0015356.
Hereditary pheochromocytoma and paraganglioma. Also called: Hereditary pheochromocytoma-paraganglioma; Hereditary paragangliomas and pheochromocytomas; Hereditary Paraganglioma-Pheochromocytoma Syndromes. Identifiers: Orphanet 29072, MedGen C4274332, MONDO:0017366.

Allele frequency attached by ClinVar (database versions not stated): ExAC 0.00002; gnomAD 0.00002 and 0.00003; TOPMed 0.00002.

Submissions (5):

Ambry Genetics
Classification: Uncertain significance for Hereditary cancer-predisposing syndrome. Last evaluated: 2026-03-04. Review status: criteria provided, single submitter. Criteria: Ambry Variant Classification Scheme 2023. Collection method: clinical testing. Allele origin: germline.
Comment: The c.-5C>T variant is located in the 5' untranslated region (5&rsquo; UTR) of the SDHB gene. This variant results from a C to T substitution 5 bases upstream from the first translated codon. This nucleotide position is well conserved in available vertebrate species. Based on the available evidence, the clinical significance of this variant remains unclear.

Color Diagnostics, LLC DBA Color Health
Classification: Uncertain significance for Hereditary pheochromocytoma and paraganglioma. Last evaluated: 2024-02-02. Review status: criteria provided, single submitter. Criteria: ACMG Guidelines, 2015. Collection method: clinical testing. Allele origin: germline.
Comment: This variant causes a C to T nucleotide substitution at the -5 position in the 5' untranslated region of the SDHB gene. To our knowledge, functional studies have not been reported for this variant. This variant has not been reported in individuals affected with SDHB-related disorders in the literature. This variant has been identified in 2/240910 chromosomes in the general population by the Genome Aggregation Database (gnomAD). The available evidence is insufficient to determine the role of this variant in disease conclusively. Therefore, this variant is classified as a Variant of Uncertain Significance.

All of Us Research Program, National Institutes of Health
Classification: Uncertain significance for Hereditary pheochromocytoma and paraganglioma. Last evaluated: 2023-11-02. Review status: criteria provided, single submitter. Criteria: ACMG Guidelines, 2015. Collection method: clinical testing. Allele origin: germline. Inheritance: Autosomal dominant inheritance. Observed: 3 variant alleles, 3 heterozygotes.
Comment: This variant causes a C to T nucleotide substitution at the -5 position in the 5' untranslated region of the SDHB gene. To our knowledge, functional studies have not been reported for this variant. This variant has not been reported in individuals affected with SDHB-related disorders in the literature. This variant has been identified in 2/240910 chromosomes in the general population by the Genome Aggregation Database (gnomAD). The available evidence is insufficient to determine the role of this variant in disease conclusively. Therefore, this variant is classified as a Variant of Uncertain Significance.

This study involves interpretation of variants in research participants for the purpose of population health screening. Participant phenotype was not available at the time of variant classification. Additional details can be found in publication PMID: 35346344, PMCID: PMC8962531

GeneDx
Classification: Uncertain significance. Last evaluated: 2023-03-07. Review status: criteria provided, single submitter. Criteria: GeneDx Variant Classification Process June 2021. Collection method: clinical testing. Allele origin: germline. Affected: yes.
Comment: Not observed at significant frequency in large population cohorts (gnomAD); Nucleotide substitution has no predicted effect on splicing and is not conserved across species; Has not been previously published as pathogenic or benign to our knowledge

Genetic Services Laboratory, University of Chicago
Classification: Uncertain significance. Last evaluated: 2019-01-28. Review status: criteria provided, single submitter. Criteria: ACMG Guidelines, 2015. Collection method: clinical testing. Allele origin: germline. Affected: no.

NM_003000.3(SDHB):c.-5C>T

Gene: SDHB (succinate dehydrogenase complex iron sulfur subunit B; minus strand). Cytogenetic location: 1p36.13.
Variant type: single nucleotide variant.
Coding change: c.-5C>T on transcript NM_003000.3 (MANE Select); 5 bases upstream of the start codon, C replaced by T.
Molecular consequence: 5 prime UTR variant.
Genome position (GRCh38, 1-based): chr1:17,054,024, G>A on the plus strand (C>T on the coding strand, the complement: SDHB is on the minus strand). VCF-style: chr1-17054024-G-A. GRCh37 (hg19) VCF-style: chr1-17380519-G-A.
Identifiers: ClinVar variation 826115 (VCV000826115.14), dbSNP rs200890535, ClinGen allele CA089675.